The following is an entry in ClinVar:

ClinVar aggregate classification (germline): Uncertain significance (1 of 4 stars; one submission).

Allele frequency attached by ClinVar (database versions not stated): gnomAD exomes below 0.00001; gnomAD 0.00001.
gnomAD v4.1: 3 of 1,614,106 alleles (0.00019%); highest among the groups gnomAD compares: Non-Finnish European, 0.00025%; no homozygotes.

Submission:

Labcorp Genetics (formerly Invitae), Labcorp
Classification: Uncertain significance. Last evaluated: 2023-07-21. Review status: criteria provided, single submitter. Criteria: Invitae Variant Classification Sherloc (09022015). Collection method: clinical testing. Allele origin: germline.
Comment: This sequence change replaces threonine, which is neutral and polar, with alanine, which is neutral and non-polar, at codon 1439 of the COL2A1 protein (p.Thr1439Ala). In summary, the available evidence is currently insufficient to determine the role of this variant in disease. Therefore, it has been classified as a Variant of Uncertain Significance. Experimental studies and prediction algorithms are not available or were not evaluated, and the functional significance of this variant is currently unknown. This variant has not been reported in the literature in individuals affected with COL2A1-related conditions. This variant is not present in population databases (gnomAD no frequency).

NM_001844.5(COL2A1):c.4315A>G (p.Thr1439Ala)

Gene: COL2A1 (collagen type II alpha 1 chain; minus strand). Cytogenetic location: 12q13.11.
Variant type: single nucleotide variant.
Coding change: c.4315A>G on transcript NM_001844.5 (MANE Select); coding-DNA position 4315, A replaced by G.
Protein change: p.Thr1439Ala; replaces threonine 1439 with alanine.
Molecular consequence: missense variant.
Genome position (GRCh38, 1-based): chr12:47,974,091, T>C on the plus strand (A>G on the coding strand, the complement: COL2A1 is on the minus strand). VCF-style: chr12-47974091-T-C. GRCh37 (hg19) VCF-style: chr12-48367874-T-C.
Other names: c.4108A>G, p.Thr1370Ala (NM_033150.3); short protein forms T1370A, T1439A.
Identifiers: ClinVar variation 2984753 (VCV002984753.3), dbSNP rs1938571131, ClinGen allele CA384533393.